The following is an entry in ClinVar:

NM_018662.3(DISC1):c.2172C>T (p.Asp724=)

Genes: DISC1 (DISC1 scaffold protein; plus strand), TSNAX-DISC1 (TSNAX-DISC1 readthrough (NMD candidate); plus strand). Cytogenetic location: 1q42.2.
Variant type: single nucleotide variant.
Coding change: c.2172C>T on transcript NM_018662.3 (MANE Select); coding-DNA position 2172, C replaced by T.
Protein change: p.Asp724=; no amino-acid change (aspartic acid 724 retained).
Molecular consequence: synonymous variant. On other transcripts: non-coding transcript variant (1), 3 prime UTR variant (2).
Genome position (GRCh38, 1-based): chr1:232,008,914, C>T. VCF-style: chr1-232008914-C-T. GRCh37 (hg19) VCF-style: chr1-232144660-C-T.
Other names: c.2172C>T, p.Asp724= (NM_001012957.2, NM_001164538.2); c.2268C>T, p.Asp756= (NM_001164537.2); c.1806C>T, p.Asp602= (NM_001164540.2); c.*23C>T (NM_001164541.2); c.*145C>T (NM_001164547.2).
Identifiers: ClinVar variation 3032331 (VCV003032331.2), dbSNP rs112054353, ClinGen allele CA1454198.

ClinVar aggregate classification (germline): Likely benign (0 of 4 stars; one submission).

Conditions:
DISC1-related disorder. Also called: DISC1-related condition.

Allele frequency attached by ClinVar (database versions not stated): gnomAD exomes 0.00002; ExAC 0.00007; ESP Exome Variant Server 0.00008; gnomAD 0.00019; TOPMed 0.00020.
gnomAD v4.1: 64 of 1,613,626 alleles (0.004%); highest among the groups gnomAD compares: African/African-American, 0.072%; no homozygotes.

Submission:

PreventionGenetics, part of Exact Sciences
Classification: Likely benign for DISC1-related condition. Last evaluated: 2023-04-25. Review status: no assertion criteria provided. Collection method: clinical testing. Allele origin: germline.
Comment: This variant is classified as likely benign based on ACMG/AMP sequence variant interpretation guidelines (Richards et al. 2015 PMID: 25741868, with internal and published modifications).